The following is an entry in ClinVar:

NM_004655.4(AXIN2):c.2186C>A (p.Thr729Asn)

Gene: AXIN2 (axin 2; minus strand). Cytogenetic location: 17q24.1.
Variant type: single nucleotide variant.
Coding change: c.2186C>A on transcript NM_004655.4 (MANE Select); coding-DNA position 2186, C replaced by A.
Protein change: p.Thr729Asn; replaces threonine 729 with asparagine.
Molecular consequence: missense variant.
Genome position (GRCh38, 1-based): chr17:65,535,677, G>T on the plus strand (C>A on the coding strand, the complement: AXIN2 is on the minus strand). VCF-style: chr17-65535677-G-T. GRCh37 (hg19) VCF-style: chr17-63531795-G-T.
Other names: c.1991C>A, p.Thr664Asn (NM_001363813.1); short protein forms T729N, T664N.
Identifiers: ClinVar variation 2198263 (VCV002198263.4), dbSNP rs1567753453, ClinGen allele CA400675793.
Genomic context (GRCh38, chr17:65,535,677, plus strand): 5'-GACACTCACTCTTCTGGAGCCAGGCTTGGATTGGAGAAGGGTGTGGCTCCCGTCTGAACA[G>T]TGGCCGAATGATTCCTGTCCCTCTGCTGACTGGCCACACAGCACCTGAGGACACAGCCAG-3'
Protein context (NP_004646.3, residues 719-739): SQQRDRNHSA[Thr729Asn]VQTGATPFSN

ClinVar aggregate classification (germline): Uncertain significance (1 of 4 stars; one submission).

Conditions:
Oligodontia-cancer predisposition syndrome. Also called: TOOTH AGENESIS-COLORECTAL CANCER SYNDROME. Identifiers: Orphanet 300576, MedGen C1837750, MONDO:0012075, OMIM 608615. Disease mechanism: loss of function.

gnomAD v4.1: 1 of 1,614,216 alleles (0.000062%); highest among the groups gnomAD compares: Admixed American, 0.0017%; no homozygotes.

Submission:

Labcorp Genetics (formerly Invitae), Labcorp
Classification: Uncertain significance for Oligodontia-cancer predisposition syndrome. Last evaluated: 2025-09-12. Review status: criteria provided, single submitter. Criteria: Invitae Variant Classification Sherloc (09022015). Collection method: clinical testing. Allele origin: germline.
Comment: This sequence change replaces threonine, which is neutral and polar, with asparagine, which is neutral and polar, at codon 729 of the AXIN2 protein (p.Thr729Asn). This variant is not present in population databases (gnomAD no frequency). This variant has not been reported in the literature in individuals affected with AXIN2-related conditions. ClinVar contains an entry for this variant (Variation ID: 2198263). An algorithm developed to predict the effect of missense changes on protein structure and function (PolyPhen-2) suggests that this variant is likely to be tolerated. In summary, the available evidence is currently insufficient to determine the role of this variant in disease. Therefore, it has been classified as a Variant of Uncertain Significance.